The following is an entry in ClinVar:

NM_172107.4(KCNQ2):c.2464G>A (p.Ala822Thr)

Gene: KCNQ2 (potassium voltage-gated channel subfamily Q member 2; minus strand). Cytogenetic location: 20q13.33.
Variant type: single nucleotide variant.
Coding change: c.2464G>A on transcript NM_172107.4 (MANE Select); coding-DNA position 2464, G replaced by A.
Protein change: p.Ala822Thr; replaces alanine 822 with threonine.
Molecular consequence: missense variant.
Genome position (GRCh38, 1-based): chr20:63,406,799, C>T on the plus strand (G>A on the coding strand, the complement: KCNQ2 is on the minus strand). VCF-style: chr20-63406799-C-T. GRCh37 (hg19) VCF-style: chr20-62038152-C-T.
Other names: c.2380G>A, p.Ala794Thr (NM_004518.6); c.2410G>A, p.Ala804Thr (NM_172106.3); c.2371G>A, p.Ala791Thr (NM_172108.5); short protein forms A822T, A794T, A804T, A791T.
Identifiers: ClinVar variation 461419 (VCV000461419.12), dbSNP rs751425807, ClinGen allele CA9958074.

ClinVar aggregate classification (germline): Uncertain significance. Review status: criteria provided, multiple submitters, no conflicts (2 of 4 stars). 2 submissions from 2 submitters: Uncertain significance (2). Last evaluated 2024-10-16.

Conditions:
Early-infantile DEE. Also called: Early infantile epileptic encephalopathy; Early infantile epileptic encephalopathy with suppression bursts; Ohtahara syndrome. Identifiers: Orphanet 1934, MedGen C0393706, MONDO:0800491.

Allele frequency attached by ClinVar (database versions not stated): TOPMed below 0.00001; gnomAD 0.00001.
gnomAD v4.1: 21 of 1,612,530 alleles (0.0013%); highest among the groups gnomAD compares: Non-Finnish European, 0.0017%; no homozygotes.

Submissions (2):

Blueprint Genetics
Classification: Uncertain significance. Last evaluated: 2024-10-16. Review status: criteria provided, single submitter. Criteria: ACMG Guidelines, 2015. Collection method: clinical testing. Allele origin: germline.

Labcorp Genetics (formerly Invitae), Labcorp
Classification: Uncertain significance for Early-infantile DEE. Last evaluated: 2024-08-18. Review status: criteria provided, single submitter. Criteria: Invitae Variant Classification Sherloc (09022015). Collection method: clinical testing. Allele origin: germline.
Comment: This sequence change replaces alanine, which is neutral and non-polar, with threonine, which is neutral and polar, at codon 822 of the KCNQ2 protein (p.Ala822Thr). This variant is present in population databases (rs751425807, gnomAD 0.004%). This variant has not been reported in the literature in individuals affected with KCNQ2-related conditions. ClinVar contains an entry for this variant (Variation ID: 461419). An algorithm developed to predict the effect of missense changes on protein structure and function (PolyPhen-2) suggests that this variant is likely to be tolerated. In summary, the available evidence is currently insufficient to determine the role of this variant in disease. Therefore, it has been classified as a Variant of Uncertain Significance.